The following is an entry in ClinVar:

NM_001277313.2(FMN1):c.1117C>G (p.Leu373Val)

Gene: FMN1 (formin 1; minus strand). Cytogenetic location: 15q13.3.
Variant type: single nucleotide variant.
Coding change: c.1117C>G on transcript NM_001277313.2 (MANE Select); coding-DNA position 1117, C replaced by G.
Protein change: p.Leu373Val; replaces leucine 373 with valine.
Molecular consequence: missense variant.
Genome position (GRCh38, 1-based): chr15:33,153,798, G>C on the plus strand (C>G on the coding strand, the complement: FMN1 is on the minus strand). VCF-style: chr15-33153798-G-C. GRCh37 (hg19) VCF-style: chr15-33445999-G-C.
Other names: c.1117C>G, p.Leu373Val (NM_001277314.2); short protein forms L373V.
Identifiers: ClinVar variation 1170923 (VCV001170923.33), dbSNP rs148331737, ClinGen allele CA7457551.
Genomic context (GRCh38, chr15:33,153,798, plus strand): 5'-CCCCTTGCCGCTCCTTGCCCTGCCGCCTGGAGCCATGAGCCCCAGCCTCAGCTCCCGGGA[G>C]GGTGAGCAAGTCGGCTTTGGGTACAAACTCAGCGTGGGCTGCTGGGCGAATGGCAATCGT-3'
Protein context (NP_001264242.1, residues 363-383): EFVPKADLLT[Leu373Val]PGAEAGAHGS

ClinVar aggregate classification (germline): Benign/Likely benign. Review status: criteria provided, multiple submitters, no conflicts (2 of 4 stars). 2 submissions from 2 submitters: Benign (1); Likely benign (1). Last evaluated 2026-01-06.

Allele frequency attached by ClinVar (database versions not stated): 1000 Genomes Project 0.00319; 1000 Genomes Project 30x 0.00344; ExAC 0.00437; gnomAD exomes 0.00570 and 0.00892; gnomAD 0.00577 and 0.00587; TOPMed 0.00622.
gnomAD v4.1: 13,185 of 1,536,382 alleles (0.86%); highest among the groups gnomAD compares: Non-Finnish European, 1%; 57 homozygotes.

Submissions (2):

Labcorp Genetics (formerly Invitae), Labcorp
Classification: Benign. Last evaluated: 2026-01-06. Review status: criteria provided, single submitter. Criteria: Invitae Variant Classification Sherloc (09022015). Collection method: clinical testing. Allele origin: germline.

CeGaT Center for Human Genetics Tuebingen
Classification: Likely benign. Last evaluated: 2023-03-01. Review status: criteria provided, single submitter. Criteria: CeGaT Center For Human Genetics Tuebingen Variant Classification Criteria Version 2. Collection method: clinical testing. Allele origin: germline. Affected: yes. Observed: 3 variant alleles.
Comment: FMN1: BP4, BS2